The following is an entry in ClinVar:

ClinVar aggregate classification (germline): Uncertain significance. Review status: criteria provided, multiple submitters, no conflicts (2 of 4 stars). 2 submissions from 2 submitters: Uncertain significance (2). Last evaluated 2024-03-06.

Conditions:
Cardiomyopathy (CMYO). Also called: Cardiomyopathies. Identifiers: Orphanet 167848, MedGen C0878544, MONDO:0004994, HP:0001638. Inheritance: Various modes of inheritance.
Arrhythmogenic right ventricular dysplasia 11. Also called: ARRHYTHMOGENIC RIGHT VENTRICULAR DYSPLASIA, FAMILIAL, 11; Arrhythmogenic Right Ventricular Dysplasia/Cardiomyopathy11; Arrhythmogenic right ventricular dysplasia 11 with mild palmoplantar keratoderma and woolly hair. Identifiers: MedGen C1864850, MONDO:0012506, OMIM 610476.

Submissions (2):

Color Diagnostics, LLC DBA Color Health
Classification: Uncertain significance for Cardiomyopathy. Last evaluated: 2024-03-06. Review status: criteria provided, single submitter. Criteria: ACMG Guidelines, 2015. Collection method: clinical testing. Allele origin: germline.
Comment: This missense variant replaces alanine with valine at codon 763 of the DSC2 protein. Computational prediction suggests that this variant may not impact protein structure and function (internally defined REVEL score threshold <= 0.5, PMID: 27666373). To our knowledge, functional studies have not been reported for this variant. This variant has not been reported in individuals affected with cardiovascular disorders in the literature. This variant has not been identified in the general population by the Genome Aggregation Database (gnomAD). The available evidence is insufficient to determine the role of this variant in disease conclusively. Therefore, this variant is classified as a Variant of Uncertain Significance.

Labcorp Genetics (formerly Invitae), Labcorp
Classification: Uncertain significance for Arrhythmogenic right ventricular dysplasia 11. Last evaluated: 2023-10-23. Review status: criteria provided, single submitter. Criteria: Invitae Variant Classification Sherloc (09022015). Collection method: clinical testing. Allele origin: germline.
Comment: This sequence change replaces alanine, which is neutral and non-polar, with valine, which is neutral and non-polar, at codon 763 of the DSC2 protein (p.Ala763Val). This variant is not present in population databases (gnomAD no frequency). This variant has not been reported in the literature in individuals affected with DSC2-related conditions. ClinVar contains an entry for this variant (Variation ID: 923101). Advanced modeling of protein sequence and biophysical properties (such as structural, functional, and spatial information, amino acid conservation, physicochemical variation, residue mobility, and thermodynamic stability) performed at Invitae indicates that this missense variant is not expected to disrupt DSC2 protein function. In summary, the available evidence is currently insufficient to determine the role of this variant in disease. Therefore, it has been classified as a Variant of Uncertain Significance.

NM_024422.6(DSC2):c.2288C>T (p.Ala763Val)

Gene: DSC2 (desmocollin 2; minus strand). Cytogenetic location: 18q12.1.
Variant type: single nucleotide variant.
Coding change: c.2288C>T on transcript NM_024422.6 (MANE Select); coding-DNA position 2288, C replaced by T.
Protein change: p.Ala763Val; replaces alanine 763 with valine.
Molecular consequence: missense variant.
Genome position (GRCh38, 1-based): chr18:31,069,114, G>A on the plus strand (C>T on the coding strand, the complement: DSC2 is on the minus strand). VCF-style: chr18-31069114-G-A. GRCh37 (hg19) VCF-style: chr18-28649080-G-A.
Other names: c.2288C>T, p.Ala763Val (NM_004949.5); short protein forms A763V.
Identifiers: ClinVar variation 923101 (VCV000923101.8), dbSNP rs1986739683, ClinGen allele CA402112033.